The following is an entry in ClinVar:

NM_020207.7(ERCC6L2):c.1445T>C (p.Val482Ala)

Gene: ERCC6L2 (ERCC excision repair 6 like 2; plus strand). Cytogenetic location: 9q22.32.
Variant type: single nucleotide variant.
Coding change: c.1445T>C on transcript NM_020207.7 (MANE Select); coding-DNA position 1445, T replaced by C.
Protein change: p.Val482Ala; replaces valine 482 with alanine.
Molecular consequence: missense variant. On other transcripts: non-coding transcript variant (1).
Genome position (GRCh38, 1-based): chr9:95,923,291, T>C. VCF-style: chr9-95923291-T-C. GRCh37 (hg19) VCF-style: chr9-98685573-T-C.
Other names: c.1445T>C, p.Val482Ala (NM_001010895.4, NM_001375291.1, NM_001375292.1 and 2 more transcripts); short protein forms V482A.
Identifiers: ClinVar variation 4250569 (VCV004250569.1).
Genomic context (GRCh38, chr9:95,923,291, plus strand): 5'-TATCTTTTCTTCTGCCTTTTCCCTTCAAGGAAACACTTATCAAAAGGATATGTGATCAGG[T>C]ATTTTCCAGATTCCCAGATTTTGTGCAGAAAAGCAAAGATGCAGCCTTTGAAACACTTTC-3'
Protein context (NP_064592.3, residues 472-492): ETLIKRICDQ[Val482Ala]FSRFPDFVQK

ClinVar aggregate classification (germline): Uncertain significance (1 of 4 stars; one submission).

Conditions:
Inborn genetic diseases. Identifiers: MedGen C0950123, MeSH D030342.

Submission:

Ambry Genetics
Classification: Uncertain significance for Inborn genetic diseases. Last evaluated: 2025-07-04. Review status: criteria provided, single submitter. Criteria: Ambry Variant Classification Scheme 2023. Collection method: clinical testing. Allele origin: germline.
Comment: The p.V482A variant (also known as c.1445T>C), located in coding exon 9 of the ERCC6L2 gene, results from a T to C substitution at nucleotide position 1445. The valine at codon 482 is replaced by alanine, an amino acid with similar properties. This amino acid position is conserved. In addition, this alteration is predicted to be deleterious by in silico analysis. Based on the available evidence, the clinical significance of this variant remains unclear.